The following is an entry in ClinVar:

ClinVar aggregate classification (germline): Likely benign. Review status: criteria provided, single submitter (1 of 4 stars). 2 submissions from 2 submitters: Likely benign (1). 1 of the submissions does not count toward it. Last evaluated 2026-02-01.

Conditions:
SPRY4-related disorder. Also called: SPRY4-related condition.

Allele frequency attached by ClinVar (database versions not stated): ESP Exome Variant Server 0.00023; gnomAD 0.00031 and 0.00038; TOPMed 0.00036; ExAC 0.00055; 1000 Genomes Project 30x 0.00187; 1000 Genomes Project 0.00240.
gnomAD v4.1: 496 of 1,613,862 alleles (0.031%); highest among the groups gnomAD compares: East Asian, 0.33%; no homozygotes.

Submissions (2):

Labcorp Genetics (formerly Invitae), Labcorp
Classification: Likely benign. Last evaluated: 2026-02-01. Review status: criteria provided, single submitter. Criteria: Invitae Variant Classification Sherloc (09022015). Collection method: clinical testing. Allele origin: germline.

PreventionGenetics, part of Exact Sciences
Classification: Benign for SPRY4-related condition. Last evaluated: 2019-09-18. Review status: no assertion criteria provided. Collection method: clinical testing. Allele origin: germline. Not counted in ClinVar's aggregate classification.
Comment: This variant is classified as benign based on ACMG/AMP sequence variant interpretation guidelines (Richards et al. 2015 PMID: 25741868, with internal and published modifications).

NM_001127496.3(SPRY4):c.88C>T (p.Arg30Trp)

Gene: SPRY4 (sprouty RTK signaling antagonist 4; minus strand). Cytogenetic location: 5q31.3.
Variant type: single nucleotide variant.
Coding change: c.88C>T on transcript NM_001127496.3 (MANE Select); coding-DNA position 88, C replaced by T.
Protein change: p.Arg30Trp; replaces arginine 30 with tryptophan.
Molecular consequence: missense variant.
Genome position (GRCh38, 1-based): chr5:142,315,021, G>A on the plus strand (C>T on the coding strand, the complement: SPRY4 is on the minus strand). VCF-style: chr5-142315021-G-A. GRCh37 (hg19) VCF-style: chr5-141694586-G-A.
Other names: c.88C>T, p.Arg30Trp (NM_001293289.3, NM_001293290.3); c.157C>T, p.Arg53Trp (NM_030964.5); short protein forms R30W, R53W.
Identifiers: ClinVar variation 740454 (VCV000740454.9), dbSNP rs200531302, ClinGen allele CA3485625.